The following is an entry in ClinVar:

ClinVar aggregate classification (germline): Uncertain significance (1 of 4 stars; one submission).

gnomAD v4.1: 17 of 1,611,754 alleles (0.0011%); highest among the groups gnomAD compares: African/African-American, 0.017%; no homozygotes.

Submission:

Labcorp Genetics (formerly Invitae), Labcorp
Classification: Uncertain significance. Last evaluated: 2022-03-15. Review status: criteria provided, single submitter. Criteria: Invitae Variant Classification Sherloc (09022015). Collection method: clinical testing. Allele origin: germline.
Comment: In summary, the available evidence is currently insufficient to determine the role of this variant in disease. Therefore, it has been classified as a Variant of Uncertain Significance. This sequence change falls in intron 20 of the MAPKBP1 gene. It does not directly change the encoded amino acid sequence of the MAPKBP1 protein. This variant is present in population databases (no rsID available, gnomAD 0.02%). This variant has not been reported in the literature in individuals affected with MAPKBP1-related conditions. Algorithms developed to predict the effect of sequence changes on RNA splicing suggest that this variant may create or strengthen a splice site.

NM_014994.3(MAPKBP1):c.2157-20A>G

Gene: MAPKBP1 (mitogen-activated protein kinase binding protein 1; plus strand). Cytogenetic location: 15q15.1.
Variant type: single nucleotide variant.
Coding change: c.2157-20A>G on transcript NM_014994.3 (MANE Select); 20 bases into the intron before coding-DNA position 2157, A replaced by G.
Molecular consequence: intron variant.
Genome position (GRCh38, 1-based): chr15:41,818,803, A>G. VCF-style: chr15-41818803-A-G. GRCh37 (hg19) VCF-style: chr15-42111001-A-G.
Other names: c.2175-20A>G (NM_001128608.2); c.2157-20A>G (NM_001265611.2).
Identifiers: ClinVar variation 1920952 (VCV001920952.5), dbSNP rs947225397, ClinGen allele CA269748057.